The following is an entry in ClinVar:

NM_000143.4(FH):c.90C>T (p.Gly30=)

Gene: FH (fumarate hydratase; minus strand). Cytogenetic location: 1q43.
Variant type: single nucleotide variant.
Coding change: c.90C>T on transcript NM_000143.4 (MANE Select); coding-DNA position 90, C replaced by T.
Protein change: p.Gly30=; no amino-acid change (glycine 30 retained).
Molecular consequence: synonymous variant.
Genome position (GRCh38, 1-based): chr1:241,519,633, G>A on the plus strand (C>T on the coding strand, the complement: FH is on the minus strand). VCF-style: chr1-241519633-G-A. GRCh37 (hg19) VCF-style: chr1-241682933-G-A.
Identifiers: ClinVar variation 569332 (VCV000569332.14), dbSNP rs1262096783, ClinGen allele CA424076782.

ClinVar aggregate classification (germline): Benign/Likely benign. Review status: criteria provided, multiple submitters, no conflicts (2 of 4 stars). 4 submissions from 4 submitters: Benign (1); Likely benign (2). 1 of the submissions does not count toward it. Last evaluated 2025-03-17.

Conditions:
Hereditary cancer-predisposing syndrome. Also called: Hereditary neoplastic syndrome; Neoplastic Syndromes, Hereditary; Hereditary Cancer Syndrome; Tumor predisposition. Identifiers: Orphanet 140162, MedGen C0027672, MeSH D009386, MONDO:0015356.
Fumarase deficiency (FMRD). Also called: Fumaric aciduria; Fumarate Hydratase Deficiency. Identifiers: Orphanet 24, MedGen C0342770, MONDO:0011730, OMIM 606812.
Hereditary leiomyomatosis and renal cell cancer. Also called: MULTIPLE CUTANEOUS AND UTERINE LEIOMYOMATA 1, WITH OR WITHOUT RENAL CELL CARCINOMA; LEIOMYOMA, MULTIPLE CUTANEOUS; Familial leiomyomatosis; Multiple cutaneous leiomyomas; FH tumor predisposition syndrome; Reed syndrome. Identifiers: Orphanet 523, MedGen C1708350, MONDO:0007888, OMIM 150800, HP:0007437. Disease mechanism: loss of function.

Allele frequency attached by ClinVar (database versions not stated): gnomAD exomes below 0.00001 and 0.00001; TOPMed below 0.00001.
gnomAD v4.1: 5 of 1,547,786 alleles (0.00032%); highest among the groups gnomAD compares: East Asian, 0.0073%; no homozygotes.

Submissions (4):

Labcorp Genetics (formerly Invitae), Labcorp
Classification: Likely benign. Last evaluated: 2025-03-17. Review status: criteria provided, single submitter. Criteria: Invitae Variant Classification Sherloc (09022015). Collection method: clinical testing. Allele origin: germline.

Ambry Genetics
Classification: Likely benign for Hereditary cancer-predisposing syndrome. Last evaluated: 2024-10-30. Review status: criteria provided, single submitter. Criteria: Ambry Variant Classification Scheme 2023. Collection method: clinical testing. Allele origin: germline.

Myriad Genetics, Inc.
Classification: Benign for Hereditary leiomyomatosis and renal cell cancer. Last evaluated: 2024-10-17. Review status: criteria provided, single submitter. Criteria: Myriad Autosomal Dominant, Autosomal Recessive and X-Linked Classification Criteria (2023). Collection method: clinical testing. Allele origin: unknown.
Comment: This variant is considered benign. This variant is a silent/synonymous amino acid change and it is not expected to impact splicing.

Natera, Inc.
Classification: Uncertain significance for Fumarase Deficiency. Last evaluated: 2019-10-28. Review status: no assertion criteria provided. Collection method: clinical testing. Allele origin: germline. Not counted in ClinVar's aggregate classification.